The following is an entry in ClinVar:

NM_002292.4(LAMB2):c.2089C>T (p.Arg697Trp)

Gene: LAMB2 (laminin subunit beta 2; minus strand). Cytogenetic location: 3p21.31.
Variant type: single nucleotide variant.
Coding change: c.2089C>T on transcript NM_002292.4 (MANE Select); coding-DNA position 2089, C replaced by T.
Protein change: p.Arg697Trp; replaces arginine 697 with tryptophan.
Molecular consequence: missense variant.
Genome position (GRCh38, 1-based): chr3:49,126,427, G>A on the plus strand (C>T on the coding strand, the complement: LAMB2 is on the minus strand). VCF-style: chr3-49126427-G-A. GRCh37 (hg19) VCF-style: chr3-49163860-G-A.
Other names: short protein forms R697W.
Identifiers: ClinVar variation 900474 (VCV000900474.7), dbSNP rs149304508, ClinGen allele CA2394410.

ClinVar aggregate classification (germline): Uncertain significance. Review status: criteria provided, multiple submitters, no conflicts (2 of 4 stars). 4 submissions from 3 submitters: Uncertain significance (4). Last evaluated 2022-10-31.

Conditions:
LAMB2-related infantile-onset nephrotic syndrome. Also called: NEPHROTIC SYNDROME, TYPE 5, WITHOUT OCULAR ABNORMALITIES; NEPHROTIC SYNDROME, TYPE 5, WITH OCULAR ABNORMALITIES; Nephrotic Syndrome, type 5. Identifiers: Orphanet 306507, MedGen C3280113, MONDO:0013621, OMIM 614199.
Pierson syndrome. Also called: MICROCORIA-CONGENITAL NEPHROTIC SYNDROME. Identifiers: Orphanet 2670, MedGen C1836876, MONDO:0012184, OMIM 609049.

Allele frequency attached by ClinVar (database versions not stated): TOPMed 0.00003; gnomAD 0.00004; gnomAD exomes 0.00004 and 0.00007; ESP Exome Variant Server 0.00008; ExAC 0.00009.

Submissions (4):

GeneDx
Classification: Uncertain significance. Last evaluated: 2022-10-31. Review status: criteria provided, single submitter. Criteria: GeneDx Variant Classification Process June 2021. Collection method: clinical testing. Allele origin: germline. Affected: yes.
Comment: In silico analysis supports that this missense variant has a deleterious effect on protein structure/function; Has not been previously published as pathogenic or benign to our knowledge; This variant is associated with the following publications: (PMID: 24448499)

Labcorp Genetics (formerly Invitae), Labcorp
Classification: Uncertain significance for LAMB2-related infantile-onset nephrotic syndrome; Pierson syndrome. Last evaluated: 2022-01-19. Review status: criteria provided, single submitter. Criteria: Invitae Variant Classification Sherloc (09022015). Collection method: clinical testing. Allele origin: germline.
Comment: This sequence change replaces arginine, which is basic and polar, with tryptophan, which is neutral and slightly polar, at codon 697 of the LAMB2 protein (p.Arg697Trp). This variant is present in population databases (rs149304508, gnomAD 0.02%). This variant has not been reported in the literature in individuals affected with LAMB2-related conditions. ClinVar contains an entry for this variant (Variation ID: 900474). Algorithms developed to predict the effect of missense changes on protein structure and function are either unavailable or do not agree on the potential impact of this missense change (SIFT: "Tolerated"; PolyPhen-2: "Possibly Damaging"; Align-GVGD: "Class C0"). In summary, the available evidence is currently insufficient to determine the role of this variant in disease. Therefore, it has been classified as a Variant of Uncertain Significance.

Illumina Laboratory Services, Illumina
Classification: Uncertain significance for Pierson syndrome. Last evaluated: 2018-01-15. Review status: criteria provided, single submitter. Criteria: ICSL Variant Classification Criteria 13 December 2019. Collection method: clinical testing. Allele origin: germline.

Illumina Laboratory Services, Illumina
Classification: Uncertain significance for LAMB2-related infantile-onset nephrotic syndrome. Last evaluated: 2018-01-15. Review status: criteria provided, single submitter. Criteria: ICSL Variant Classification Criteria 13 December 2019. Collection method: clinical testing. Allele origin: germline.